The following is an entry in ClinVar:

NM_000540.3(RYR1):c.3199C>T (p.Arg1067Cys)

Gene: RYR1 (ryanodine receptor 1; plus strand). Cytogenetic location: 19q13.2.
Variant type: single nucleotide variant.
Coding change: c.3199C>T on transcript NM_000540.3 (MANE Select); coding-DNA position 3199, C replaced by T.
Protein change: p.Arg1067Cys; replaces arginine 1067 with cysteine.
Molecular consequence: missense variant.
Genome position (GRCh38, 1-based): chr19:38,467,630, C>T. VCF-style: chr19-38467630-C-T. GRCh37 (hg19) VCF-style: chr19-38958270-C-T.
Other names: c.3199C>T, p.Arg1067Cys (NM_001042723.2); short protein forms R1067C.
Identifiers: ClinVar variation 4070619 (VCV004070619.2).

ClinVar aggregate classification (germline): Uncertain significance. Review status: criteria provided, multiple submitters, no conflicts (2 of 4 stars). 2 submissions from 2 submitters: Uncertain significance (2). Last evaluated 2025-01-15.

Conditions:
Malignant hyperthermia, susceptibility to, 1 (MHS1). Also called: Anesthesia related hyperthermia; Malignant hyperpyrexia; Fulminating hyperpyrexia; Pharmacogenic myopathy; RYR1-Related Malignant Hyperthermia Susceptibility; Malignant hyperthermia suceptibility 1. Identifiers: Orphanet 423, MedGen C2930980, MONDO:0007783, OMIM 145600.

Submissions (2):

GeneDx
Classification: Uncertain significance. Last evaluated: 2025-01-15. Review status: criteria provided, single submitter. Criteria: GeneDx Variant Classification Process June 2021. Collection method: clinical testing. Allele origin: germline. Affected: yes.
Comment: Not observed at significant frequency in large population cohorts (gnomAD); In silico analysis indicates that this missense variant does not alter protein structure/function; Has not been previously published as pathogenic or benign to our knowledge

Color Diagnostics, LLC DBA Color Health
Classification: Uncertain significance for Malignant hyperthermia, susceptibility to, 1. Last evaluated: 2023-11-29. Review status: criteria provided, single submitter. Criteria: ACMG Guidelines, 2015. Collection method: clinical testing. Allele origin: germline.
Comment: This missense variant replaces arginine with cysteine at codon 1067 of the RYR1 protein. Computational prediction suggests that this variant may have deleterious impact on protein structure and function. To our knowledge, functional studies have not been reported for this variant. This variant has not been reported in individuals affected with RYR1-related disorders in the literature. This variant has been identified in 2/282882 chromosomes in the general population by the Genome Aggregation Database (gnomAD). The available evidence is insufficient to determine the role of this variant in disease conclusively. Therefore, this variant is classified as a Variant of Uncertain Significance.